The following is an entry in ClinVar:

ClinVar aggregate classification (germline): Uncertain significance. Review status: criteria provided, multiple submitters, no conflicts (2 of 4 stars). 2 submissions from 2 submitters: Uncertain significance (2). Last evaluated 2024-12-30.

Conditions:
Hereditary cancer-predisposing syndrome. Also called: Neoplastic Syndromes, Hereditary; Hereditary Cancer Syndrome; Tumor predisposition; Hereditary neoplastic syndrome. Identifiers: Orphanet 140162, MedGen C0027672, MeSH D009386, MONDO:0015356.
Ataxia-telangiectasia syndrome (AT). Also called: LOUIS-BAR SYNDROME; Cerebello-oculocutaneous telangiectasia; Immunodeficiency with ataxia telangiectasia; Ataxia-telangiectasia, complementation group D; AT, COMPLEMENTATION GROUP C; Ataxia-telangiectasia, complementation group E. Identifiers: Orphanet 100, MedGen C0004135, MONDO:0008840, OMIM 208900.

Submissions (2):

Ambry Genetics
Classification: Uncertain significance for Hereditary cancer-predisposing syndrome. Last evaluated: 2024-12-30. Review status: criteria provided, single submitter. Criteria: Ambry Variant Classification Scheme 2023. Collection method: clinical testing. Allele origin: germline.
Comment: The c.8987G>A variant (also known as p.S2996N), located in coding exon 61 of the ATM gene, results from a G to A substitution at nucleotide position 8987. The amino acid change results in serine to asparagine at codon 2996, an amino acid with highly similar properties. However, this change occurs in the last base pair of coding exon 61, which makes it likely to have some effect on normal mRNA splicing. This nucleotide position is highly conserved in available vertebrate species. This amino acid position is well conserved in available vertebrate species. In silico splice site analysis predicts that this alteration may result in the creation or strengthening of a novel splice donor site. In addition, this alteration is predicted to be tolerated by in silico analysis. Based on the available evidence, the clinical significance of this variant remains unclear.

Labcorp Genetics (formerly Invitae), Labcorp
Classification: Uncertain significance for Ataxia-telangiectasia syndrome. Last evaluated: 2021-08-28. Review status: criteria provided, single submitter. Criteria: Invitae Variant Classification Sherloc (09022015). Collection method: clinical testing. Allele origin: germline.
Comment: This sequence change replaces serine with asparagine at codon 2996 of the ATM protein (p.Ser2996Asn). The serine residue is moderately conserved and there is a small physicochemical difference between serine and asparagine. This variant also falls at the last nucleotide of exon 62, which is part of the consensus splice site for this exon. This variant is not present in population databases (ExAC no frequency). This variant has not been reported in the literature in individuals affected with ATM-related conditions. ClinVar contains an entry for this variant (Variation ID: 481274). Algorithms developed to predict the effect of missense changes on protein structure and function (SIFT, PolyPhen-2, Align-GVGD) all suggest that this variant is likely to be tolerated. Variants that disrupt the consensus splice site are a relatively common cause of aberrant splicing (PMID: 17576681, 9536098). Algorithms developed to predict the effect of sequence changes on RNA splicing suggest that this variant may disrupt the consensus splice site. In summary, the available evidence is currently insufficient to determine the role of this variant in disease. Therefore, it has been classified as a Variant of Uncertain Significance.

Literature cited by the submitters: PubMed 17576681 (cited by Labcorp Genetics (formerly Invitae), Labcorp); PubMed 9536098 (cited by Labcorp Genetics (formerly Invitae), Labcorp).

NM_000051.4(ATM):c.8987G>A (p.Ser2996Asn)

Genes: ATM (ATM serine/threonine kinase; plus strand), C11orf65 (chromosome 11 open reading frame 65; minus strand). Cytogenetic location: 11q22.3.
Variant type: single nucleotide variant.
Coding change: c.8987G>A on transcript NM_000051.4 (MANE Select); coding-DNA position 8987, G replaced by A.
Protein change: p.Ser2996Asn; replaces serine 2996 with asparagine.
Molecular consequence: missense variant. On other transcripts: intron variant (2).
Genome position (GRCh38, 1-based): chr11:108,365,218, G>A. VCF-style: chr11-108365218-G-A. GRCh37 (hg19) VCF-style: chr11-108235945-G-A.
Other names: c.8987G>A, p.Ser2996Asn (NM_001351834.2); c.640+20702C>T (NM_001330368.2); c.694+20702C>T (NM_001351110.2); short protein forms S2996N.
Identifiers: ClinVar variation 481274 (VCV000481274.13), dbSNP rs1555151525, ClinGen allele CA382530577.